The following is an entry in ClinVar:

NM_006904.7(PRKDC):c.2692T>C (p.Phe898Leu)

Gene: PRKDC (protein kinase, DNA-activated, catalytic subunit; minus strand). Cytogenetic location: 8q11.21.
Variant type: single nucleotide variant.
Coding change: c.2692T>C on transcript NM_006904.7 (MANE Select); coding-DNA position 2692, T replaced by C.
Protein change: p.Phe898Leu; replaces phenylalanine 898 with leucine.
Molecular consequence: missense variant.
Genome position (GRCh38, 1-based): chr8:47,913,990, A>G on the plus strand (T>C on the coding strand, the complement: PRKDC is on the minus strand). VCF-style: chr8-47913990-A-G. GRCh37 (hg19) VCF-style: chr8-48826550-A-G.
Other names: c.2692T>C, p.Phe898Leu (NM_001081640.2); short protein forms F898L.
Identifiers: ClinVar variation 3310107 (VCV003310107.1).
Genomic context (GRCh38, chr8:47,913,990, plus strand): 5'-CTAATTCTGTGACTCGAGGCAGGAACACATCCAGGAAAATGACAGGTTTCATCTCTCTAA[A>G]GGGCACTGCAAAGCTCAGCCGCTTCTCTCTGTCCCAGGCCACATAGCTCTTCATCATCTC-3'
Protein context (NP_008835.5, residues 888-908): REKRLSFAVP[Phe898Leu]REMKPVIFLD

ClinVar aggregate classification (germline): Uncertain significance (1 of 4 stars; one submission).

gnomAD v4.1: 2 of 1,609,160 alleles (0.00012%); highest among the groups gnomAD compares: South Asian, 0.0011%; no homozygotes.

Submission:

Ambry Genetics
Classification: Uncertain significance. Last evaluated: 2024-04-06. Review status: criteria provided, single submitter. Criteria: Ambry Variant Classification Scheme 2023. Collection method: clinical testing. Allele origin: germline.
Comment: The p.F898L variant (also known as c.2692T>C), located in coding exon 24 of the PRKDC gene, results from a T to C substitution at nucleotide position 2692. The phenylalanine at codon 898 is replaced by leucine, an amino acid with highly similar properties. This amino acid position is conserved. In addition, this alteration is predicted to be tolerated by in silico analysis. Based on the available evidence, the clinical significance of this variant remains unclear.